The following is an entry in ClinVar:

NM_000208.4(INSR):c.895C>T (p.Gln299Ter)

Gene: INSR (insulin receptor; minus strand). Cytogenetic location: 19p13.2.
Variant type: single nucleotide variant.
Coding change: c.895C>T on transcript NM_000208.4 (MANE Select); coding-DNA position 895, C replaced by T.
Protein change: p.Gln299Ter; replaces glutamine 299 with a stop codon.
Molecular consequence: nonsense.
Genome position (GRCh38, 1-based): chr19:7,184,395, G>A on the plus strand (C>T on the coding strand, the complement: INSR is on the minus strand). VCF-style: chr19-7184395-G-A. GRCh37 (hg19) VCF-style: chr19-7184406-G-A.
Other names: c.895C>T, p.Gln299Ter (NM_001079817.3); short protein forms Q299*.
Identifiers: ClinVar variation 3776007 (VCV003776007.1).

ClinVar aggregate classification (germline): Pathogenic (1 of 4 stars; one submission).

Conditions:
Rabson-Mendenhall syndrome. Also called: MENDENHALL SYNDROME; Pineal Hyperplasia, Insulin-Resistant Diabetes Mellitus, and Somatic Abnormalities; Pineal hyperplasia AND diabetes mellitus syndrome. Identifiers: Orphanet 769, MedGen C0271695, MONDO:0009874, OMIM 262190.

gnomAD v4.1: 19 of 1,614,080 alleles (0.0012%); highest among the groups gnomAD compares: Non-Finnish European, 0.0016%; no homozygotes.

Submission:

3billion
Classification: Pathogenic for Rabson-Mendenhall syndrome. Last evaluated: 2024-03-07. Review status: criteria provided, single submitter. Criteria: ACMG Guidelines, 2015. Collection method: clinical testing. Allele origin: germline. Affected: yes.
Comment: The variant is not observed in the gnomAD v2.1.1 dataset. Predicted Consequence/Location: Stop-gained (nonsense): predicted to result in a loss or disruption of normal protein function through nonsense-mediated decay (NMD) or protein truncation. Multiple pathogenic variants are reported downstream of the variant. The variant has been reported to be associated with INSR-related disorder (PMID: 11443207). Therefore, this variant is classified as Pathogenic according to the recommendation of ACMG/AMP guideline.

Literature cited by the submitters: PubMed 11443207.